The following is an entry in ClinVar:

NM_000038.6(APC):c.541C>G (p.Gln181Glu)

Gene: APC (APC regulator of Wnt signaling pathway; plus strand). Cytogenetic location: 5q22.2.
Variant type: single nucleotide variant.
Coding change: c.541C>G on transcript NM_000038.6 (MANE Select); coding-DNA position 541, C replaced by G.
Protein change: p.Gln181Glu; replaces glutamine 181 with glutamic acid.
Molecular consequence: missense variant. On other transcripts: 5 prime UTR variant (1).
Genome position (GRCh38, 1-based): chr5:112,780,799, C>G. VCF-style: chr5-112780799-C-G. GRCh37 (hg19) VCF-style: chr5-112116496-C-G.
Other names: c.541C>G, p.Gln181Glu (NM_001127510.3, NM_001354895.2, NM_001354896.2 and 2 more transcripts); c.571C>G, p.Gln191Glu (NM_001127511.3, NM_001354897.2, NM_001354902.2); c.466C>G, p.Gln156Glu (NM_001354898.2, NM_001354904.2); c.364C>G, p.Gln122Glu (NM_001354900.2, NM_001354901.2, NM_001354905.2); c.-495C>G (NM_001354906.2); short protein forms Q181E, Q122E, Q156E, Q191E.
Identifiers: ClinVar variation 1047175 (VCV001047175.13), dbSNP rs863225366, ClinGen allele CA16022513.

ClinVar aggregate classification (germline): Uncertain significance. Review status: criteria provided, multiple submitters, no conflicts (2 of 4 stars). 2 submissions from 2 submitters: Uncertain significance (2). Last evaluated 2025-05-27.

Conditions:
Hereditary cancer-predisposing syndrome. Also called: Hereditary Cancer Syndrome; Tumor predisposition; Hereditary neoplastic syndrome; Neoplastic Syndromes, Hereditary. Identifiers: Orphanet 140162, MedGen C0027672, MeSH D009386, MONDO:0015356.
Familial adenomatous polyposis 1 (FAP1). Also called: POLYPOSIS, ADENOMATOUS INTESTINAL; FAMILIAL ADENOMATOUS POLYPOSIS 1, ATTENUATED. Identifiers: MedGen C2713442, MONDO:0021056, OMIM 175100. Disease mechanism: loss of function.

Allele frequency attached by ClinVar (database versions not stated): gnomAD exomes below 0.00001.
gnomAD v4.1: 2 of 1,609,810 alleles (0.00012%); highest among the groups gnomAD compares: Non-Finnish European, 0.00017%; no homozygotes.

Submissions (2):

Labcorp Genetics (formerly Invitae), Labcorp
Classification: Uncertain significance for Familial adenomatous polyposis 1. Last evaluated: 2025-05-27. Review status: criteria provided, single submitter. Criteria: Invitae Variant Classification Sherloc (09022015). Collection method: clinical testing. Allele origin: germline.
Comment: This sequence change replaces glutamine, which is neutral and polar, with glutamic acid, which is acidic and polar, at codon 181 of the APC protein (p.Gln181Glu). This variant is not present in population databases (gnomAD no frequency). This variant has not been reported in the literature in individuals affected with APC-related conditions. ClinVar contains an entry for this variant (Variation ID: 1047175). Invitae Evidence Modeling of protein sequence and biophysical properties (such as structural, functional, and spatial information, amino acid conservation, physicochemical variation, residue mobility, and thermodynamic stability) indicates that this missense variant is not expected to disrupt APC protein function with a negative predictive value of 95%. In summary, the available evidence is currently insufficient to determine the role of this variant in disease. Therefore, it has been classified as a Variant of Uncertain Significance.

Ambry Genetics
Classification: Uncertain significance for Hereditary cancer-predisposing syndrome. Last evaluated: 2024-05-10. Review status: criteria provided, single submitter. Criteria: Ambry Variant Classification Scheme 2023. Collection method: clinical testing. Allele origin: germline.
Comment: The p.Q181E variant (also known as c.541C>G), located in coding exon 5 of the APC gene, results from a C to G substitution at nucleotide position 541. The glutamine at codon 181 is replaced by glutamic acid, an amino acid with highly similar properties. This amino acid position is highly conserved in available vertebrate species. In addition, in silico predictors for this gene do not accurately predict pathogenicity. Since supporting evidence is limited at this time, the clinical significance of this alteration remains unclear.